The following is an entry in ClinVar:

ClinVar aggregate classification (germline): Uncertain significance. Review status: criteria provided, multiple submitters, no conflicts (2 of 4 stars). 2 submissions from 2 submitters: Uncertain significance (2). Last evaluated 2025-08-05.

Conditions:
Hereditary cancer-predisposing syndrome. Also called: Tumor predisposition; Hereditary neoplastic syndrome; Neoplastic Syndromes, Hereditary; Hereditary Cancer Syndrome. Identifiers: Orphanet 140162, MedGen C0027672, MeSH D009386, MONDO:0015356.

gnomAD v4.1: 1 of 1,613,734 alleles (0.000062%); highest among the groups gnomAD compares: Non-Finnish European, 0.000085%; no homozygotes.

Submissions (2):

Ambry Genetics
Classification: Uncertain significance for Hereditary cancer-predisposing syndrome. Last evaluated: 2025-08-05. Review status: criteria provided, single submitter. Criteria: Ambry Variant Classification Scheme 2023. Collection method: clinical testing. Allele origin: germline.
Comment: The p.P676A variant (also known as c.2026C>G), located in coding exon 14 of the MSH3 gene, results from a C to G substitution at nucleotide position 2026. The proline at codon 676 is replaced by alanine, an amino acid with highly similar properties. This amino acid position is highly conserved in available vertebrate species. In addition, the in silico prediction for this alteration is inconclusive. Since supporting evidence is limited at this time, the clinical significance of this alteration remains unclear.

Labcorp Genetics (formerly Invitae), Labcorp
Classification: Uncertain significance. Last evaluated: 2023-12-16. Review status: criteria provided, single submitter. Criteria: Invitae Variant Classification Sherloc (09022015). Collection method: clinical testing. Allele origin: germline.
Comment: This sequence change replaces proline, which is neutral and non-polar, with alanine, which is neutral and non-polar, at codon 676 of the MSH3 protein (p.Pro676Ala). This variant is not present in population databases (gnomAD no frequency). This variant has not been reported in the literature in individuals affected with MSH3-related conditions. ClinVar contains an entry for this variant (Variation ID: 960258). An algorithm developed to predict the effect of missense changes on protein structure and function (PolyPhen-2) suggests that this variant is likely to be disruptive. In summary, the available evidence is currently insufficient to determine the role of this variant in disease. Therefore, it has been classified as a Variant of Uncertain Significance.

NM_002439.5(MSH3):c.2026C>G (p.Pro676Ala)

Gene: MSH3 (mutS homolog 3; plus strand). Cytogenetic location: 5q14.1.
Variant type: single nucleotide variant.
Coding change: c.2026C>G on transcript NM_002439.5 (MANE Select); coding-DNA position 2026, C replaced by G.
Protein change: p.Pro676Ala; replaces proline 676 with alanine.
Molecular consequence: missense variant.
Genome position (GRCh38, 1-based): chr5:80,768,062, C>G. VCF-style: chr5-80768062-C-G. GRCh37 (hg19) VCF-style: chr5-80063881-C-G.
Other names: short protein forms P676A.
Identifiers: ClinVar variation 960258 (VCV000960258.13), dbSNP rs1744153840, ClinGen allele CA360277798.
Genomic context (GRCh38, chr5:80,768,062, plus strand): 5'-ATACCTGCTGTTAATTCCCACATTCAGTCAGACTTGCTCCGGACCGTTATTTTAGAAATT[C>G]CTGAACTCCTCAGTCCAGTGGAGCATTACTTAAAGATACTCAATGAACAAGCTGCCAAGT-3'
Protein context (NP_002430.3, residues 666-686): DLLRTVILEI[Pro676Ala]ELLSPVEHYL